The following is an entry in ClinVar:

ClinVar aggregate classification (germline): Likely benign (0 of 4 stars; one submission).

Conditions:
CFAP43-related disorder. Also called: CFAP43-related condition.

Submission:

PreventionGenetics, part of Exact Sciences
Classification: Likely benign for CFAP43-related condition. Last evaluated: 2019-04-01. Review status: no assertion criteria provided. Collection method: clinical testing. Allele origin: germline.
Comment: This variant is classified as likely benign based on ACMG/AMP sequence variant interpretation guidelines (Richards et al. 2015 PMID: 25741868, with internal and published modifications).

NM_025145.7(CFAP43):c.313T>C (p.Leu105=)

Gene: CFAP43 (cilia and flagella associated protein 43; minus strand). Cytogenetic location: 10q25.1.
Variant type: single nucleotide variant.
Coding change: c.313T>C on transcript NM_025145.7 (MANE Select); coding-DNA position 313, T replaced by C.
Protein change: p.Leu105=; no amino-acid change (leucine 105 retained).
Molecular consequence: synonymous variant.
Genome position (GRCh38, 1-based): chr10:104,230,596, A>G on the plus strand (T>C on the coding strand, the complement: CFAP43 is on the minus strand). VCF-style: chr10-104230596-A-G. GRCh37 (hg19) VCF-style: chr10-105990354-A-G.
Identifiers: ClinVar variation 3047897 (VCV003047897.2), dbSNP rs2492823277, ClinGen allele CA471351511.
Genomic context (GRCh38, chr10:104,230,596, plus strand): 5'-ACTCTTTAAACAAAATCCTTCAATTATGGGCAGAGGAAGGGTTCTCTAGAATACCTTTCA[A>G]TTTGGTCCTTCTGGTCAATCCTGGAAAGCTGTATACGTAGATGAGAGGTTTTAGCTTCCG-3'
Protein context (NP_079421.5, residues 95-115): SFPGLTRRTK[Leu105=]KGNILLDYTL